The following is an entry in ClinVar:

ClinVar aggregate classification (germline): Benign (1 of 4 stars; one submission).

Conditions:
Doyne honeycomb retinal dystrophy (DHRD). Also called: DOYNE HONEYCOMB DEGENERATION OF RETINA; MALATTIA LEVENTINESE; DRUSEN, RADIAL, AUTOSOMAL DOMINANT. Identifiers: Orphanet 75376, MedGen C1832174, MONDO:0007471, OMIM 126600.

Allele frequency attached by ClinVar (database versions not stated): gnomAD 0.00032; 1000 Genomes Project 0.00040; TOPMed 0.00044; 1000 Genomes Project 30x 0.00062.

Submission:

Illumina Laboratory Services, Illumina
Classification: Benign for Doyne honeycomb retinal dystrophy. Last evaluated: 2018-01-12. Review status: criteria provided, single submitter. Criteria: ICSL Variant Classification Criteria 13 December 2019. Collection method: clinical testing. Allele origin: germline.
Comment: This variant was observed in the ICSL laboratory as part of a predisposition screen in an ostensibly healthy population. It had not been previously curated by ICSL or reported in the Human Gene Mutation Database (HGMD: prior to June 1st, 2018), and was therefore a candidate for classification through an automated scoring system. Utilizing variant allele frequency, disease prevalence and penetrance estimates, and inheritance mode, an automated score was calculated to assess if this variant is too frequent to cause the disease. Based on the score and internal cut-off values, a variant classified as benign is not then subjected to further curation. The score for this variant resulted in a classification of benign for this disease.

NM_001039348.3(EFEMP1):c.*1026C>T

Gene: EFEMP1 (EGF-like fibulin extracellular matrix protein 1; minus strand). Cytogenetic location: 2p16.1.
Variant type: single nucleotide variant.
Coding change: c.*1026C>T on transcript NM_001039348.3 (MANE Select); 1026 bases downstream of the stop codon, C replaced by T.
Molecular consequence: 3 prime UTR variant.
Genome position (GRCh38, 1-based): chr2:55,866,047, G>A on the plus strand (C>T on the coding strand, the complement: EFEMP1 is on the minus strand). VCF-style: chr2-55866047-G-A. GRCh37 (hg19) VCF-style: chr2-56093182-G-A.
Other names: c.*1026C>T (NM_001039349.3).
Identifiers: ClinVar variation 336607 (VCV000336607.5), dbSNP rs540075808, ClinGen allele CA10615589.